The following is an entry in ClinVar:

ClinVar aggregate classification (germline): Likely pathogenic (1 of 4 stars; one submission).

Conditions:
Hereditary cancer-predisposing syndrome. Also called: Neoplastic Syndromes, Hereditary; Tumor predisposition; Hereditary Cancer Syndrome; Hereditary neoplastic syndrome. Identifiers: Orphanet 140162, MedGen C0027672, MeSH D009386, MONDO:0015356.

Submission:

Ambry Genetics
Classification: Likely pathogenic for Hereditary cancer-predisposing syndrome. Last evaluated: 2025-07-02. Review status: criteria provided, single submitter. Criteria: Ambry Variant Classification Scheme 2023. Collection method: clinical testing. Allele origin: germline.
Comment: The c.363+3A>T intronic variant results from an A to T substitution 3 nucleotides after coding exon 3 in the TSC1 gene. This nucleotide position is well conserved in available vertebrate species. In silico splice site analysis predicts that this alteration will weaken the native splice donor site. RNA studies have demonstrated that this alteration results in abnormal splicing in the set of samples tested (Ambry internal data). Other variants impacting the same donor site (c.363+5G>C) have been identified in individuals with features consistent with Tuberous sclerosis (external communication; Pal D. Can J Neurol Sci. 2024 Sep;51(5):636-643). Based on the majority of available evidence to date, this variant is likely to be pathogenic.

Literature cited by the submitters: PubMed 38149783.

NM_000368.5(TSC1):c.363+3A>T

Gene: TSC1 (TSC complex subunit 1; minus strand). Cytogenetic location: 9q34.13.
Variant type: single nucleotide variant.
Coding change: c.363+3A>T on transcript NM_000368.5 (MANE Select); 3 bases into the intron after coding-DNA position 363, A replaced by T.
Molecular consequence: intron variant.
Genome position (GRCh38, 1-based): chr9:132,925,584, T>A on the plus strand (A>T on the coding strand, the complement: TSC1 is on the minus strand). VCF-style: chr9-132925584-T-A. GRCh37 (hg19) VCF-style: chr9-135800971-T-A.
Other names: c.-1+3A>T (NM_001406620.1, NM_001406618.1, NM_001406625.1 and 5 more transcripts); c.210+1617A>T (NM_001406613.1, NM_001406612.1, NM_001406610.1 and 2 more transcripts); c.-515+3A>T (NM_001406627.1, NM_001406628.1, NM_001406626.1); c.-657+3A>T (NM_001406629.1); c.363+3A>T (NM_001406603.1, NM_001406609.1, NM_001406597.1 and 16 more transcripts); c.-93+3A>T (NM_001406614.1, NM_001406624.1, NM_001406616.1); c.-731+3A>T (NM_001406630.1); c.-126+3A>T (NM_001406623.1, NM_001406615.1).
Identifiers: ClinVar variation 4192055 (VCV004192055.1).